The following is an entry in ClinVar:

NM_000059.4(BRCA2):c.2184del (p.Asp728fs)

Gene: BRCA2 (BRCA2 DNA repair associated; plus strand). Cytogenetic location: 13q13.1.
Variant type: Deletion.
Coding change: c.2184del on transcript NM_000059.4 (MANE Select); coding-DNA position 2184, one base deleted (T; older notation c.2184delT).
Protein change: p.Asp728fs; shifts the reading frame from aspartic acid 728.
Molecular consequence: frameshift variant. On other transcripts: non-coding transcript variant (1), intron variant (2).
Genome position (GRCh38, 1-based): chr13:32,336,539, T deleted. VCF-style (leftmost placement, unchanged base first): chr13-32336538-AT-A. GRCh37 (hg19) VCF-style: chr13-32910675-AT-A.
Other names: c.2184del, p.Asp728fs (NM_001406719.1, NM_001406720.1, NM_001432077.1); c.1909+3152del (NM_001406721.1); c.424+5509del (NM_001406722.1); short protein forms D728fs.
Identifiers: ClinVar variation 3642850 (VCV003642850.2).

ClinVar aggregate classification (germline): Pathogenic (1 of 4 stars; one submission).

Conditions:
Hereditary breast ovarian cancer syndrome. Also called: BRCA1- and BRCA2-Associated Hereditary Breast and Ovarian Cancer; Hereditary breast and/or ovarian cancer syndrome; Hereditary breast and ovarian cancer syndrome; Hereditary breast and ovarian cancer syndrome (HBOC); Breast and ovarian cancer; Hereditary breast and ovarian cancer. Identifiers: Orphanet 145, MedGen C0677776, MeSH D061325, MONDO:0003582. Disease mechanism: loss of function.

Submission:

Labcorp Genetics (formerly Invitae), Labcorp
Classification: Pathogenic for Hereditary breast ovarian cancer syndrome. Last evaluated: 2024-02-23. Review status: criteria provided, single submitter. Criteria: Invitae Variant Classification Sherloc (09022015). Collection method: clinical testing. Allele origin: germline.
Comment: This sequence change creates a premature translational stop signal (p.Asp728Glufs*2) in the BRCA2 gene. It is expected to result in an absent or disrupted protein product. Loss-of-function variants in BRCA2 are known to be pathogenic (PMID: 20104584). This variant is not present in population databases (gnomAD no frequency). This variant has not been reported in the literature in individuals affected with BRCA2-related conditions. For these reasons, this variant has been classified as Pathogenic.

Literature cited by the submitters: PubMed 20104584.